The following is an entry in ClinVar:

ClinVar aggregate classification (germline): Uncertain significance (1 of 4 stars; one submission).

Allele frequency attached by ClinVar (database versions not stated): gnomAD 0.00001.
gnomAD v4.1: 1 of 1,304,926 alleles (0.000077%); highest among the groups gnomAD compares: Non-Finnish European, 0.0001%; no homozygotes.

Submission:

Labcorp Genetics (formerly Invitae), Labcorp
Classification: Uncertain significance. Last evaluated: 2023-08-23. Review status: criteria provided, single submitter. Criteria: Invitae Variant Classification Sherloc (09022015). Collection method: clinical testing. Allele origin: germline.
Comment: This variant has not been reported in the literature in individuals affected with ERCC6L2-related conditions. This sequence change replaces valine, which is neutral and non-polar, with isoleucine, which is neutral and non-polar, at codon 1251 of the ERCC6L2 protein (p.Val1251Ile). This variant is not present in population databases (gnomAD no frequency). Experimental studies and prediction algorithms are not available or were not evaluated, and the functional significance of this variant is currently unknown. In summary, the available evidence is currently insufficient to determine the role of this variant in disease. Therefore, it has been classified as a Variant of Uncertain Significance.

NM_020207.7(ERCC6L2):c.3718G>A (p.Val1240Ile)

Gene: ERCC6L2 (ERCC excision repair 6 like 2; plus strand). Cytogenetic location: 9q22.32.
Variant type: single nucleotide variant.
Coding change: c.3718G>A on transcript NM_020207.7 (MANE Select); coding-DNA position 3718, G replaced by A.
Protein change: p.Val1240Ile; replaces valine 1240 with isoleucine.
Molecular consequence: missense variant. On other transcripts: non-coding transcript variant (1), intron variant (2).
Genome position (GRCh38, 1-based): chr9:96,012,268, G>A. VCF-style: chr9-96012268-G-A. GRCh37 (hg19) VCF-style: chr9-98774550-G-A.
Other names: c.3674+7567G>A (NM_001375291.1, NM_001375292.1); short protein forms V1240I.
Identifiers: ClinVar variation 2785007 (VCV002785007.3), dbSNP rs1834051660, ClinGen allele CA466120626.
Genomic context (GRCh38, chr9:96,012,268, plus strand): 5'-GTTCATTTAATCTTTAGAAAACAATTTGAAGAAATGGCCTCTTATTTTAACTCGTCTTCT[G>A]TAAACGAATTTGCTAAACATATAACCAATGCCACATCAGAAGAACGACAGAAAATGCTAA-3'
Protein context (NP_064592.3, residues 1230-1250): EMASYFNSSS[Val1240Ile]NEFAKHITNA